The following is an entry in ClinVar:

NM_020821.3(VPS13C):c.5060C>T (p.Ala1687Val)

Gene: VPS13C (vacuolar protein sorting 13 homolog C; minus strand). Cytogenetic location: 15q22.2.
Variant type: single nucleotide variant.
Coding change: c.5060C>T on transcript NM_020821.3 (MANE Select); coding-DNA position 5060, C replaced by T.
Protein change: p.Ala1687Val; replaces alanine 1687 with valine.
Molecular consequence: missense variant.
Genome position (GRCh38, 1-based): chr15:61,945,803, G>A on the plus strand (C>T on the coding strand, the complement: VPS13C is on the minus strand). VCF-style: chr15-61945803-G-A. GRCh37 (hg19) VCF-style: chr15-62238002-G-A.
Other names: p.Ala1687Val; c.5060C>T, p.Ala1687Val (NM_001018088.3); c.4931C>T, p.Ala1644Val (NM_017684.5, NM_018080.4); short protein forms A1644V, A1687V.
Identifiers: ClinVar variation 779273 (VCV000779273.35), dbSNP rs114089496, ClinGen allele CA7595917.

ClinVar aggregate classification (germline): Benign/Likely benign. Review status: criteria provided, multiple submitters, no conflicts (2 of 4 stars). 5 submissions from 5 submitters: Benign (3); Likely benign (2). Last evaluated 2026-04-01.

Allele frequency attached by ClinVar (database versions not stated): gnomAD 0.00165 and 0.00198; TOPMed 0.00173; ESP Exome Variant Server 0.00185; gnomAD exomes 0.00324 and 0.00333; 1000 Genomes Project 30x 0.00359; ExAC 0.00368; 1000 Genomes Project 0.00399.
gnomAD v4.1: 5,033 of 1,613,456 alleles (0.31%); highest among the groups gnomAD compares: South Asian, 1.1%; 30 homozygotes.

Submissions (5):

CeGaT Center for Human Genetics Tuebingen
Classification: Benign. Last evaluated: 2026-04-01. Review status: criteria provided, single submitter. Criteria: CeGaT Center For Human Genetics Tuebingen Variant Classification Criteria Version 2. Collection method: clinical testing. Allele origin: germline. Affected: yes. Observed: 9 variant alleles.
Comment: VPS13C: BP4, BS1, BS2

Labcorp Genetics (formerly Invitae), Labcorp
Classification: Benign. Last evaluated: 2026-01-27. Review status: criteria provided, single submitter. Criteria: Invitae Variant Classification Sherloc (09022015). Collection method: clinical testing. Allele origin: germline.

Blueprint Genetics
Classification: Likely benign. Last evaluated: 2024-11-27. Review status: criteria provided, single submitter. Criteria: ACMG Guidelines, 2015. Collection method: clinical testing. Allele origin: germline.

Mayo Clinic Laboratories, Mayo Clinic
Classification: Likely benign. Last evaluated: 2024-10-11. Review status: criteria provided, single submitter. Criteria: ACMG Guidelines, 2015. Collection method: clinical testing. Allele origin: germline. Observed: 6 variant alleles.
Comment: BS1, BP4

Breakthrough Genomics
Classification: Benign. Review status: criteria provided, single submitter. Criteria: ACMG Guidelines, 2015. Collection method: not provided. Allele origin: germline. Inheritance: Autosomal recessive inheritance. Affected: yes.